The following is an entry in ClinVar:

NM_144997.7(FLCN):c.690A>C (p.Leu230=)

Gene: FLCN (folliculin; minus strand). Cytogenetic location: 17p11.2.
Variant type: single nucleotide variant.
Coding change: c.690A>C on transcript NM_144997.7 (MANE Select); coding-DNA position 690, A replaced by C.
Protein change: p.Leu230=; no amino-acid change (leucine 230 retained).
Molecular consequence: synonymous variant.
Genome position (GRCh38, 1-based): chr17:17,222,590, T>G on the plus strand (A>C on the coding strand, the complement: FLCN is on the minus strand). VCF-style: chr17-17222590-T-G. GRCh37 (hg19) VCF-style: chr17-17125904-T-G.
Other names: c.744A>C, p.Leu248= (NM_001353229.2); c.690A>C, p.Leu230= (NM_001353230.2, NM_001353231.2, NM_144606.7).
Identifiers: ClinVar variation 737038 (VCV000737038.10), dbSNP rs373977390, ClinGen allele CA8416337.

ClinVar aggregate classification (germline): Likely benign. Review status: criteria provided, multiple submitters, no conflicts (2 of 4 stars). 3 submissions from 3 submitters: Likely benign (3). Last evaluated 2025-01-11.

Conditions:
Birt-Hogg-Dube syndrome 1 (BHD1). Also called: FIBROFOLLICULOMAS WITH TRICHODISCOMAS AND ACROCHORDONS. Identifiers: Orphanet 122, MedGen CN375946, MONDO:0800445, OMIM 135150.
Birt-Hogg-Dube syndrome. Also called: Birt Hogg Dubé syndrome. Identifiers: Orphanet 122, MedGen C0346010, MONDO:0800444.
Hereditary cancer-predisposing syndrome. Also called: Hereditary neoplastic syndrome; Neoplastic Syndromes, Hereditary; Tumor predisposition; Hereditary Cancer Syndrome. Identifiers: Orphanet 140162, MedGen C0027672, MeSH D009386, MONDO:0015356.

Allele frequency attached by ClinVar (database versions not stated): gnomAD exomes below 0.00001 and 0.00001; TOPMed below 0.00001; gnomAD 0.00001; ExAC 0.00002; ESP Exome Variant Server 0.00015.
gnomAD v4.1: 2 of 1,614,086 alleles (0.00012%); highest among the groups gnomAD compares: African/African-American, 0.0027%; no homozygotes.

Submissions (3):

Labcorp Genetics (formerly Invitae), Labcorp
Classification: Likely benign for Birt-Hogg-Dube syndrome. Last evaluated: 2025-01-11. Review status: criteria provided, single submitter. Criteria: Invitae Variant Classification Sherloc (09022015). Collection method: clinical testing. Allele origin: germline.

Myriad Genetics, Inc.
Classification: Likely benign for Birt-Hogg-Dube syndrome 1. Last evaluated: 2024-08-26. Review status: criteria provided, single submitter. Criteria: Myriad Autosomal Dominant, Autosomal Recessive and X-Linked Classification Criteria (2023). Collection method: clinical testing. Allele origin: unknown.
Comment: This variant is considered likely benign. This variant has been observed at a population frequency that is significantly greater than expected given the associated disease prevalence and penetrance.

Ambry Genetics
Classification: Likely benign for Hereditary cancer-predisposing syndrome. Last evaluated: 2021-08-11. Review status: criteria provided, single submitter. Criteria: Ambry Variant Classification Scheme 2023. Collection method: clinical testing. Allele origin: germline.